The following is an entry in ClinVar:

NM_000535.7(PMS2):c.705+1G>C

Gene: PMS2 (PMS1 homolog 2, mismatch repair system component; minus strand). Cytogenetic location: 7p22.1.
Variant type: single nucleotide variant.
Coding change: c.705+1G>C on transcript NM_000535.7 (MANE Select); the canonical splice donor site of the intron after coding-DNA position 705, G replaced by C.
Molecular consequence: splice donor variant. On other transcripts: intron variant (9).
Genome position (GRCh38, 1-based): chr7:5,999,107, C>G on the plus strand (G>C on the coding strand, the complement: PMS2 is on the minus strand). VCF-style: chr7-5999107-C-G. GRCh37 (hg19) VCF-style: chr7-6038738-C-G.
Other names: c.387+1G>C (NM_001322008.2, NM_001406902.1, NM_001406883.1 and 4 more transcripts); c.396+1G>C (NM_001406881.1, NM_001406879.1, NM_001406878.1 and 6 more transcripts); c.300+1G>C (NM_001406895.1, NM_001322010.2, NM_001322004.2 and 19 more transcripts); c.132+3346G>C (NM_001406911.1); c.192+109G>C (NM_001406904.1, NM_001406905.1); c.133-1684G>C (NM_001322013.2, NM_001406909.1); c.-229+1G>C (NM_001322012.2, NM_001322011.2); c.597+109G>C (NM_001406869.1); and 6 more.
Identifiers: ClinVar variation 567101 (VCV000567101.9), dbSNP rs267608147, ClinGen allele CA366743805.

ClinVar aggregate classification (germline): Likely pathogenic. Review status: criteria provided, multiple submitters, no conflicts (2 of 4 stars). 2 submissions from 2 submitters: Likely pathogenic (2). Last evaluated 2021-05-28.

Conditions:
Hereditary nonpolyposis colorectal neoplasms. Identifiers: MedGen C0009405, MeSH D003123.
Hereditary cancer-predisposing syndrome. Also called: Neoplastic Syndromes, Hereditary; Tumor predisposition; Hereditary neoplastic syndrome; Hereditary Cancer Syndrome. Identifiers: Orphanet 140162, MedGen C0027672, MeSH D009386, MONDO:0015356.

Submissions (2):

Ambry Genetics
Classification: Likely pathogenic for Hereditary cancer-predisposing syndrome. Last evaluated: 2021-05-28. Review status: criteria provided, single submitter. Criteria: Ambry Variant Classification Scheme 2023. Collection method: clinical testing. Allele origin: germline.
Comment: The c.705+1G>C intronic variant results from a G to C substitution one nucleotide after coding exon 6 of the PMS2 gene. This nucleotide position is highly conserved in available vertebrate species. In silico splice site analysis predicts that this alteration will weaken the native splice donor site. Alterations that disrupt the canonical splice site are expected to cause aberrant splicing, resulting in an abnormal protein or a transcript that is subject to nonsense-mediated mRNA decay. As such, this alteration is classified as likely pathogenic.

Labcorp Genetics (formerly Invitae), Labcorp
Classification: Likely pathogenic for Hereditary nonpolyposis colorectal neoplasms. Last evaluated: 2018-06-18. Review status: criteria provided, single submitter. Criteria: Invitae Variant Classification Sherloc (09022015). Collection method: clinical testing. Allele origin: germline.
Comment: In summary, the currently available evidence indicates that the variant is pathogenic, but additional data are needed to prove that conclusively. Therefore, this variant has been classified as Likely Pathogenic. Donor and acceptor splice site variants typically lead to a loss of protein function (PMID: 16199547), and loss-of-function variants in PMS2 are known to be pathogenic (PMID: 21376568, 24362816). This variant has not been reported in the literature in individuals with PMS2-related disease. This variant is not present in population databases (ExAC no frequency). This sequence change affects a donor splice site in intron 6 of the PMS2 gene. It is expected to disrupt RNA splicing and likely results in an absent or disrupted protein product.

Literature cited by the submitters: PubMed 16199547 (cited by Labcorp Genetics (formerly Invitae), Labcorp); PubMed 21376568 (cited by Labcorp Genetics (formerly Invitae), Labcorp); PubMed 24362816 (cited by Labcorp Genetics (formerly Invitae), Labcorp).